The following is an entry in ClinVar:

ClinVar aggregate classification (germline): Likely benign. Review status: criteria provided, multiple submitters, no conflicts (2 of 4 stars). 2 submissions from 2 submitters: Likely benign (2). Last evaluated 2025-12-02.

Conditions:
Nemaline myopathy 2 (NEM2). Also called: Nemaline myopathy 2, autosomal recessive. Identifiers: MedGen C1850569, MONDO:0009725, OMIM 256030.

Allele frequency attached by ClinVar (database versions not stated): TOPMed 0.00002; gnomAD 0.00003; ExAC 0.00005; gnomAD exomes 0.00001 and 0.00002.
gnomAD v4.1: 18 of 1,602,684 alleles (0.0011%); highest among the groups gnomAD compares: Admixed American, 0.0069%; no homozygotes.

Submissions (2):

Labcorp Genetics (formerly Invitae), Labcorp
Classification: Likely benign for Nemaline myopathy 2. Last evaluated: 2025-12-02. Review status: criteria provided, single submitter. Criteria: Invitae Variant Classification Sherloc (09022015). Collection method: clinical testing. Allele origin: germline.

GeneDx
Classification: Likely benign. Last evaluated: 2016-05-17. Review status: criteria provided, single submitter. Criteria: GeneDx Variant Classification (06012015). Collection method: clinical testing. Allele origin: germline. Affected: yes.
Comment: This variant is considered likely benign or benign based on one or more of the following criteria: it is a conservative change, it occurs at a poorly conserved position in the protein, it is predicted to be benign by multiple in silico algorithms, and/or has population frequency not consistent with disease.

NM_001164508.2(NEB):c.1713A>G (p.Lys571=)

Gene: NEB (nebulin; minus strand). Cytogenetic location: 2q23.3.
Variant type: single nucleotide variant.
Coding change: c.1713A>G on transcript NM_001164508.2 (MANE Select); coding-DNA position 1713, A replaced by G.
Protein change: p.Lys571=; no amino-acid change (lysine 571 retained).
Molecular consequence: synonymous variant.
Genome position (GRCh38, 1-based): chr2:151,694,591, T>C on the plus strand (A>G on the coding strand, the complement: NEB is on the minus strand). VCF-style: chr2-151694591-T-C. GRCh37 (hg19) VCF-style: chr2-152551105-T-C.
Other names: c.1713A>G, p.Lys571= (NM_001164507.2, NM_001271208.2, NM_004543.5).
Identifiers: ClinVar variation 385839 (VCV000385839.11), dbSNP rs753119399, ClinGen allele CA1911467.